The following is an entry in ClinVar:

NM_001276270.2(MBD4):c.940G>A (p.Glu314Lys)

Gene: MBD4 (methyl-CpG binding domain 4, DNA glycosylase; minus strand). Cytogenetic location: 3q21.3.
Variant type: single nucleotide variant.
Coding change: c.940G>A on transcript NM_001276270.2 (MANE Select); coding-DNA position 940, G replaced by A.
Protein change: p.Glu314Lys; replaces glutamic acid 314 with lysine.
Molecular consequence: missense variant. On other transcripts: intron variant (1).
Genome position (GRCh38, 1-based): chr3:129,436,704, C>T on the plus strand (G>A on the coding strand, the complement: MBD4 is on the minus strand). VCF-style: chr3-129436704-C-T. GRCh37 (hg19) VCF-style: chr3-129155547-C-T.
Other names: c.940G>A, p.Glu314Lys (NM_001276271.2, NM_001276272.2, NM_003925.3); c.247+1104G>A (NM_001276273.2); short protein forms E314K.
Identifiers: ClinVar variation 4104639 (VCV004104639.1).

ClinVar aggregate classification (germline): Uncertain significance (1 of 4 stars; one submission).

Conditions:
Inborn genetic diseases. Identifiers: MedGen C0950123, MeSH D030342.

Submission:

Ambry Genetics
Classification: Uncertain significance for Inborn genetic diseases. Last evaluated: 2025-08-08. Review status: criteria provided, single submitter. Criteria: Ambry Variant Classification Scheme 2023. Collection method: clinical testing. Allele origin: germline.
Comment: The p.E314K variant (also known as c.940G>A), located in coding exon 3 of the MBD4 gene, results from a G to A substitution at nucleotide position 940. The glutamic acid at codon 314 is replaced by lysine, an amino acid with similar properties. This amino acid position is conserved. In addition, this alteration is predicted to be tolerated by in silico analysis. Based on the available evidence, the clinical significance of this variant remains unclear.